The following is an entry in ClinVar:

ClinVar aggregate classification (germline): Uncertain significance (1 of 4 stars; one submission).

Allele frequency attached by ClinVar (database versions not stated): gnomAD exomes below 0.00001.
gnomAD v4.1: 1 of 1,612,914 alleles (0.000062%); highest among the groups gnomAD compares: Non-Finnish European, 0.000085%; no homozygotes.

Submission:

Labcorp Genetics (formerly Invitae), Labcorp
Classification: Uncertain significance. Last evaluated: 2025-10-08. Review status: criteria provided, single submitter. Criteria: Invitae Variant Classification Sherloc (09022015). Collection method: clinical testing. Allele origin: germline.
Comment: This sequence change replaces cysteine, which is neutral and slightly polar, with tyrosine, which is neutral and polar, at codon 764 of the MYLK3 protein (p.Cys764Tyr). This variant is not present in population databases (gnomAD no frequency). This variant has not been reported in the literature in individuals affected with MYLK3-related conditions. ClinVar contains an entry for this variant (Variation ID: 2036834). An algorithm developed to predict the effect of missense changes on protein structure and function (PolyPhen-2) suggests that this variant is likely to be disruptive. In summary, the available evidence is currently insufficient to determine the role of this variant in disease. Therefore, it has been classified as a Variant of Uncertain Significance.

NM_182493.3(MYLK3):c.2291G>A (p.Cys764Tyr)

Gene: MYLK3 (myosin light chain kinase 3; minus strand). Cytogenetic location: 16q11.2.
Variant type: single nucleotide variant.
Coding change: c.2291G>A on transcript NM_182493.3 (MANE Select); coding-DNA position 2291, G replaced by A.
Protein change: p.Cys764Tyr; replaces cysteine 764 with tyrosine.
Molecular consequence: missense variant.
Genome position (GRCh38, 1-based): chr16:46,709,648, C>T on the plus strand (G>A on the coding strand, the complement: MYLK3 is on the minus strand). VCF-style: chr16-46709648-C-T. GRCh37 (hg19) VCF-style: chr16-46743560-C-T.
Other names: c.1268G>A, p.Cys423Tyr (NM_001308301.1); short protein forms C764Y, C423Y.
Identifiers: ClinVar variation 2036834 (VCV002036834.4), dbSNP rs2548897702, ClinGen allele CA395786120.